The following is an entry in ClinVar:

NM_015335.5(MED13L):c.1218dup (p.Ser407Ter)

Gene: MED13L (mediator complex subunit 13L; minus strand). Cytogenetic location: 12q24.21.
Variant type: Duplication.
Coding change: c.1218dup on transcript NM_015335.5 (MANE Select); coding-DNA position 1218, one base duplicated (T; older notation c.1218dupT).
Protein change: p.Ser407Ter; replaces serine 407 with a stop codon.
Molecular consequence: nonsense.
Genome position (GRCh38, 1-based): chr12:116,012,859, A duplicated on the plus strand (T on the coding strand, the reverse complement: MED13L is on the minus strand). VCF-style (leftmost placement, unchanged base first): chr12-116012858-T-TA. GRCh37 (hg19) VCF-style: chr12-116450663-T-TA.
Other names: short protein forms S407*.
Identifiers: ClinVar variation 1333199 (VCV001333199.1), dbSNP rs2137404791, ClinGen allele CA2573053609.

ClinVar aggregate classification (germline): Likely pathogenic (1 of 4 stars; one submission).

Conditions:
Cardiac anomalies - developmental delay - facial dysmorphism syndrome (MRFACD). Also called: Impaired intellectual development and distinctive facial features with or without cardiac defects; MED13L Syndrome. Identifiers: Orphanet 369891, MedGen C5192431, MONDO:0014773, OMIM 616789.

Submission:

3billion
Classification: Likely pathogenic for Cardiac anomalies - developmental delay - facial dysmorphism syndrome. Last evaluated: 2022-01-03. Review status: criteria provided, single submitter. Criteria: ACMG Guidelines, 2015. Collection method: clinical testing. Allele origin: germline. Affected: yes. Observed: 1 heterozygote.
Comment: Frameshift: predicted to result in a loss or disruption of normal protein function through protein truncation. Multiple pathogenic variants are reported in the predicted truncated region (PVS1_VS). It is not observed in the gnomAD v2.1.1 dataset (PM2_M). Therefore, this variant is classified as likely pathogenic according to the recommendation of ACMG/AMP guideline.